The following is an entry in ClinVar:

ClinVar aggregate classification (germline): Uncertain significance (1 of 4 stars; one submission).

Submission:

GeneDx
Classification: Uncertain significance. Last evaluated: 2025-01-23. Review status: criteria provided, single submitter. Criteria: GeneDx Variant Classification Process June 2021. Collection method: clinical testing. Allele origin: germline. Affected: yes.
Comment: Not observed at significant frequency in large population cohorts (gnomAD); In silico analysis indicates that this missense variant does not alter protein structure/function; Has not been previously published as pathogenic or benign to our knowledge

NM_002232.5(KCNA3):c.177C>G (p.Asp59Glu)

Gene: KCNA3 (potassium voltage-gated channel subfamily A member 3; minus strand). Cytogenetic location: 1p13.3.
Variant type: single nucleotide variant.
Coding change: c.177C>G on transcript NM_002232.5 (MANE Select); coding-DNA position 177, C replaced by G.
Protein change: p.Asp59Glu; replaces aspartic acid 59 with glutamic acid.
Molecular consequence: missense variant.
Genome position (GRCh38, 1-based): chr1:110,674,633, G>C on the plus strand (C>G on the coding strand, the complement: KCNA3 is on the minus strand). VCF-style: chr1-110674633-G-C. GRCh37 (hg19) VCF-style: chr1-111217255-G-C.
Other names: short protein forms D59E.
Identifiers: ClinVar variation 4071786 (VCV004071786.1).